The following is an entry in ClinVar:

ClinVar aggregate classification (germline): Uncertain significance (1 of 4 stars; one submission).

Submission:

GeneDx
Classification: Uncertain significance. Last evaluated: 2024-06-27. Review status: criteria provided, single submitter. Criteria: GeneDx Variant Classification Process June 2021. Collection method: clinical testing. Allele origin: germline. Affected: yes.
Comment: Not observed at significant frequency in large population cohorts (gnomAD); In silico analysis supports that this missense variant has a deleterious effect on protein structure/function; Has not been previously published as pathogenic or benign to our knowledge

NM_000252.3(MTM1):c.1444T>C (p.Cys482Arg)

Gene: MTM1 (myotubularin 1; plus strand). Cytogenetic location: Xq28.
Variant type: single nucleotide variant.
Coding change: c.1444T>C on transcript NM_000252.3 (MANE Select); coding-DNA position 1444, T replaced by C.
Protein change: p.Cys482Arg; replaces cysteine 482 with arginine.
Molecular consequence: missense variant.
Genome position (GRCh38, 1-based): chrX:150,660,461, T>C. VCF-style: chrX-150660461-T-C. GRCh37 (hg19) VCF-style: chrX-149828934-T-C.
Other names: c.1444T>C, p.Cys482Arg (NM_001376906.1, NM_001376908.1); c.1333T>C, p.Cys445Arg (NM_001376907.1); short protein forms C445R, C482R.
Identifiers: ClinVar variation 3252575 (VCV003252575.1), dbSNP rs187092837.